The following is an entry in ClinVar:

ClinVar aggregate classification (germline): Likely benign (0 of 4 stars; one submission).

Conditions:
IFT27-related disorder. Also called: IFT27-related condition.

gnomAD v4.1: 10 of 1,612,532 alleles (0.00062%); highest among the groups gnomAD compares: Non-Finnish European, 0.00085%; no homozygotes.

Submission:

PreventionGenetics, part of Exact Sciences
Classification: Likely benign for IFT27-related condition. Last evaluated: 2024-04-16. Review status: no assertion criteria provided. Collection method: clinical testing. Allele origin: germline.
Comment: This variant is classified as likely benign based on ACMG/AMP sequence variant interpretation guidelines (Richards et al. 2015 PMID: 25741868, with internal and published modifications).

NM_001177701.3(IFT27):c.174+8A>T

Gene: IFT27 (intraflagellar transport 27; minus strand). Cytogenetic location: 22q12.3.
Variant type: single nucleotide variant.
Coding change: c.174+8A>T on transcript NM_001177701.3 (MANE Select); 8 bases into the intron after coding-DNA position 174, A replaced by T.
Molecular consequence: intron variant.
Genome position (GRCh38, 1-based): chr22:36,767,298, T>A on the plus strand (A>T on the coding strand, the complement: IFT27 is on the minus strand). VCF-style: chr22-36767298-T-A. GRCh37 (hg19) VCF-style: chr22-37163342-T-A.
Other names: c.174+8A>T (NM_001363003.2); c.171+8A>T (NM_006860.5).
Identifiers: ClinVar variation 3351077 (VCV003351077.1).